The following is an entry in ClinVar:

ClinVar aggregate classification (germline): Likely pathogenic (1 of 4 stars; one submission).

Submission:

Labcorp Genetics (formerly Invitae), Labcorp
Classification: Likely pathogenic. Last evaluated: 2022-08-12. Review status: criteria provided, single submitter. Criteria: Invitae Variant Classification Sherloc (09022015). Collection method: clinical testing. Allele origin: germline.
Comment: This variant results in a copy number gain of the genomic region encompassing exon(s) 6-7 of the EYS gene. While the exact position of this variant cannot be determined from the data, sub-genic copy number gains are generally in tandem (PMID: 25640679). This variant is predicted to be out-of-frame, and may result in an absent or disrupted protein product. Loss-of-function variants in EYS are known to be pathogenic (PMID: 18836446, 20333770). This variant has not been reported in the literature in individuals affected with EYS-related conditions. In summary, the currently available evidence indicates that the variant is pathogenic, but additional data are needed to prove that conclusively. Therefore, this variant has been classified as Likely Pathogenic.

Literature cited by the submitters: PubMed 25640679; PubMed 18836446; PubMed 20333770.

NC_000006.11:g.(?_66112351)_(66115280_?)dup

Gene: EYS (eyes shut homolog; minus strand). Cytogenetic location: 6q12.
Variant type: Duplication.
Identifiers: ClinVar variation 2423877 (VCV002423877.3).